The following is an entry in ClinVar:

ClinVar aggregate classification (germline): Uncertain significance. Review status: criteria provided, multiple submitters, no conflicts (2 of 4 stars). 2 submissions from 2 submitters: Uncertain significance (2). Last evaluated 2025-11-08.

gnomAD v4.1: 190 of 1,583,850 alleles (0.012%); highest among the groups gnomAD compares: Non-Finnish European, 0.015%; 1 homozygote.

Submissions (2):

Ambry Genetics
Classification: Uncertain significance. Last evaluated: 2025-11-08. Review status: criteria provided, single submitter. Criteria: Ambry Variant Classification Scheme 2023. Collection method: clinical testing. Allele origin: germline.

GeneDx
Classification: Uncertain significance. Last evaluated: 2024-08-25. Review status: criteria provided, single submitter. Criteria: GeneDx Variant Classification Process June 2021. Collection method: clinical testing. Allele origin: germline. Affected: yes.
Comment: In silico analysis supports that this missense variant has a deleterious effect on protein structure/function; Has not been previously published as pathogenic or benign to our knowledge

NM_015656.2(KIF26A):c.1049C>T (p.Pro350Leu)

Gene: KIF26A (kinesin family member 26A; plus strand). Cytogenetic location: 14q32.33.
Variant type: single nucleotide variant.
Coding change: c.1049C>T on transcript NM_015656.2 (MANE Select); coding-DNA position 1049, C replaced by T.
Protein change: p.Pro350Leu; replaces proline 350 with leucine.
Molecular consequence: missense variant.
Genome position (GRCh38, 1-based): chr14:104,166,984, C>T. VCF-style: chr14-104166984-C-T. GRCh37 (hg19) VCF-style: chr14-104633321-C-T.
Other names: short protein forms P350L.
Identifiers: ClinVar variation 3766229 (VCV003766229.2).